The following is an entry in ClinVar:

ClinVar aggregate classification (germline): Uncertain significance (1 of 4 stars; one submission).

Submission:

Women's Health and Genetics/Laboratory Corporation of America, LabCorp
Classification: Uncertain significance. Last evaluated: 2026-04-29. Review status: criteria provided, single submitter. Criteria: LabCorp Variant Classification Summary - May 2015. Collection method: clinical testing. Allele origin: germline.
Comment: Variant summary: ADA c.1047delA (p.Ala350ProfsX118+) causes a frameshift which results in an extension of the protein. The variant was absent in 251496 control chromosomes. The available data on variant occurrences in the general population are insufficient to allow any conclusion about variant significance. To our knowledge, no occurrence of c.1047delA in individuals affected with ADA-related conditions and no experimental evidence demonstrating its impact on protein function have been reported. No submitters have cited clinical-significance assessments for this variant to ClinVar. Based on the evidence outlined above, the variant was classified as uncertain significance.

NM_000022.4(ADA):c.1047del (p.Ala350fs)

Gene: ADA (adenosine deaminase; minus strand). Cytogenetic location: 20q13.12.
Variant type: Deletion.
Coding change: c.1047del on transcript NM_000022.4 (MANE Select); coding-DNA position 1047, one base deleted (A; older notation c.1047delA).
Protein change: p.Ala350fs; shifts the reading frame from alanine 350.
Molecular consequence: frameshift variant. On other transcripts: non-coding transcript variant (1).
Genome position (GRCh38, 1-based): chr20:44,620,330, T deleted on the plus strand (A on the coding strand, the reverse complement: ADA is on the minus strand); the first of 3 consecutive T bases (chr20:44,620,330-44,620,332); deleting any one gives the same sequence. VCF-style (leftmost placement, unchanged base first): chr20-44620329-CT-C. GRCh37 (hg19) VCF-style: chr20-43248970-CT-C.
Other names: c.1047delA (NM_000022.4); c.642del, p.Ala215fs (NM_001322050.2); c.975del, p.Ala326fs (NM_001322051.2); short protein forms A215fs, A326fs, A350fs.
Identifiers: ClinVar variation 4848428 (VCV004848428.1).
Genomic context (GRCh38, chr20:44,620,329, plus strand): 5'-AACTGCCCAGAAGCCCAGACAGGAACCTACCTGCAGAGGCTGAAGGTGGCATCCCATAGG[CT>C]TTATAGAGCAGGTCGAGAAGCTCCCTCTTTTCATCTTCTGGGAGGAAACTAGATTTGGCC-3'